The following is an entry in ClinVar:

ClinVar aggregate classification (germline): Uncertain significance (1 of 4 stars; one submission).

Conditions:
Dilated cardiomyopathy 1W (CMD1W). Identifiers: Orphanet 154, MedGen C1969639, MONDO:0012667, OMIM 611407.

Submission:

Labcorp Genetics (formerly Invitae), Labcorp
Classification: Uncertain significance for Dilated cardiomyopathy 1W. Last evaluated: 2025-07-17. Review status: criteria provided, single submitter. Criteria: Invitae Variant Classification Sherloc (09022015). Collection method: clinical testing. Allele origin: germline.
Comment: This sequence change falls in intron 5 of the VCL gene. It does not directly change the encoded amino acid sequence of the VCL protein. This variant is not present in population databases (gnomAD no frequency). This variant has not been reported in the literature in individuals affected with VCL-related conditions. Algorithms developed to predict the effect of sequence changes on RNA splicing suggest that this variant may disrupt the consensus splice site. In summary, the available evidence is currently insufficient to determine the role of this variant in disease. Therefore, it has been classified as a Variant of Uncertain Significance.

NM_014000.3(VCL):c.623-9T>G

Gene: VCL (vinculin; plus strand). Cytogenetic location: 10q22.2.
Variant type: single nucleotide variant.
Coding change: c.623-9T>G on transcript NM_014000.3 (MANE Select); 9 bases into the intron before coding-DNA position 623, T replaced by G.
Molecular consequence: intron variant.
Genome position (GRCh38, 1-based): chr10:74,074,734, T>G. VCF-style: chr10-74074734-T-G. GRCh37 (hg19) VCF-style: chr10-75834492-T-G.
Other names: c.623-9T>G (NM_003373.4).
Identifiers: ClinVar variation 4811626 (VCV004811626.1).